The following is an entry in ClinVar:

NM_001267550.2(TTN):c.105863T>C (p.Ile35288Thr)

Genes: TTN (titin; minus strand), TTN-AS1 (TTN antisense RNA 1; plus strand), LOC129935183 (ATAC-STARR-seq lymphoblastoid active region 16808; plus strand). Cytogenetic location: 2q31.2.
Variant type: single nucleotide variant.
Coding change: c.105863T>C on transcript NM_001267550.2 (MANE Select); coding-DNA position 105863, T replaced by C.
Protein change: p.Ile35288Thr; replaces isoleucine 35288 with threonine.
Molecular consequence: missense variant.
Genome position (GRCh38, 1-based): chr2:178,530,752, A>G on the plus strand (T>C on the coding strand, the complement: TTN is on the minus strand). VCF-style: chr2-178530752-A-G. GRCh37 (hg19) VCF-style: chr2-179395479-A-G.
Other names: c.78668T>C, p.Ile26223Thr (NM_003319.4); c.98159T>C, p.Ile32720Thr (NM_133378.4); c.79043T>C, p.Ile26348Thr (NM_133432.3); c.100940T>C, p.Ile33647Thr (NM_001256850.1); c.79244T>C, p.Ile26415Thr (NM_133437.4); short protein forms I26348T, I26223T, I32720T, I33647T, I26415T, I35288T.
Identifiers: ClinVar variation 1369829 (VCV001369829.6), dbSNP rs764713884, ClinGen allele CA1985195.

ClinVar aggregate classification (germline): Uncertain significance. Review status: criteria provided, multiple submitters, no conflicts (2 of 4 stars). 2 submissions from 2 submitters: Uncertain significance (2). Last evaluated 2024-11-04.

Conditions:
Autosomal recessive limb-girdle muscular dystrophy type 2J (LGMDR10). Also called: Limb-girdle muscular dystrophy, type 2J; MUSCULAR DYSTROPHY, LIMB-GIRDLE, AUTOSOMAL RECESSIVE 10. Identifiers: Orphanet 140922, MedGen C1837342, MONDO:0012127, OMIM 608807.
Dilated cardiomyopathy 1G (CMD1G). Identifiers: Orphanet 154, MedGen C1858763, MONDO:0011400, OMIM 604145.

Allele frequency attached by ClinVar (database versions not stated): gnomAD exomes 0.00001; ExAC 0.00002.
gnomAD v4.1: 10 of 1,613,746 alleles (0.00062%); highest among the groups gnomAD compares: African/African-American, 0.0013%; no homozygotes.

Submissions (2):

Blueprint Genetics
Classification: Uncertain significance. Last evaluated: 2024-11-04. Review status: criteria provided, single submitter. Criteria: ACMG Guidelines, 2015. Collection method: clinical testing. Allele origin: germline.

Labcorp Genetics (formerly Invitae), Labcorp
Classification: Uncertain significance for Dilated cardiomyopathy 1G; Autosomal recessive limb-girdle muscular dystrophy type 2J. Last evaluated: 2022-09-15. Review status: criteria provided, single submitter. Criteria: Invitae Variant Classification Sherloc (09022015). Collection method: clinical testing. Allele origin: germline.
Comment: This sequence change replaces isoleucine, which is neutral and non-polar, with threonine, which is neutral and polar, at codon 35288 of the TTN protein (p.Ile35288Thr). This variant is present in population databases (rs764713884, gnomAD 0.002%). This variant has not been reported in the literature in individuals affected with TTN-related conditions. ClinVar contains an entry for this variant (Variation ID: 1369829). Experimental studies and prediction algorithms are not available or were not evaluated, and the functional significance of this variant is currently unknown. This variant is located in the M band of TTN (PMID: 25589632). Variants in this region may be relevant for neuromuscular disorders, but have not been definitively shown to cause cardiomyopathy (PMID: 23975875). In summary, the available evidence is currently insufficient to determine the role of this variant in disease. Therefore, it has been classified as a Variant of Uncertain Significance.

Literature cited by the submitters: PubMed 25589632 (cited by Labcorp Genetics (formerly Invitae), Labcorp); PubMed 23975875 (cited by Labcorp Genetics (formerly Invitae), Labcorp).